The following is an entry in ClinVar:

NM_001384474.1(LOXHD1):c.6405C>T (p.Phe2135=)

Gene: LOXHD1 (lipoxygenase homology PLAT domains 1; minus strand). Cytogenetic location: 18q21.1.
Variant type: single nucleotide variant.
Coding change: c.6405C>T on transcript NM_001384474.1 (MANE Select); coding-DNA position 6405, C replaced by T.
Protein change: p.Phe2135=; no amino-acid change (phenylalanine 2135 retained).
Molecular consequence: synonymous variant.
Genome position (GRCh38, 1-based): chr18:46,477,889, G>A on the plus strand (C>T on the coding strand, the complement: LOXHD1 is on the minus strand). VCF-style: chr18-46477889-G-A. GRCh37 (hg19) VCF-style: chr18-44057852-G-A.
Other names: c.3072C>T, p.Phe1024= (NM_001145472.3); c.1122C>T, p.Phe374= (NM_001145473.3, NM_001173129.2); c.2784C>T, p.Phe928= (NM_001308013.2); c.6219C>T, p.Phe2073= (NM_144612.7).
Identifiers: ClinVar variation 889794 (VCV000889794.16), dbSNP rs916139061, ClinGen allele CA299792535.

ClinVar aggregate classification (germline): Conflicting classifications of pathogenicity. Review status: criteria provided, conflicting classifications (1 of 4 stars). 3 submissions from 3 submitters: Uncertain significance (1); Likely benign (2). Last evaluated 2023-06-04.

Conditions:
Autosomal recessive nonsyndromic hearing loss 77. Identifiers: Orphanet 90636, MedGen C2746083, MONDO:0013119, OMIM 613079.

Allele frequency attached by ClinVar (database versions not stated): TOPMed 0.00001; gnomAD 0.00002.
gnomAD v4.1: 6 of 1,551,596 alleles (0.00039%); highest among the groups gnomAD compares: African/African-American, 0.0041%; no homozygotes.

Submissions (3):

Labcorp Genetics (formerly Invitae), Labcorp
Classification: Likely benign. Last evaluated: 2023-06-04. Review status: criteria provided, single submitter. Criteria: Invitae Variant Classification Sherloc (09022015). Collection method: clinical testing. Allele origin: germline.

Laboratory for Molecular Medicine, Mass General Brigham Personalized Medicine
Classification: Likely benign. Last evaluated: 2019-08-27. Review status: criteria provided, single submitter. Criteria: LMM Criteria. Collection method: clinical testing. Allele origin: germline. Observed: 1 variant allele.
Comment: The p.Phe2073Phe variant in LOXHD1 is classified as likely benign because it does not alter an amino acid residue, it is not located within the splice consensus sequence, and splice prediction algorithms do not predict a newly created splice site. ACMG/AMP Criteria applied: BP4, BP7.

Illumina Laboratory Services, Illumina
Classification: Uncertain significance for Autosomal recessive nonsyndromic hearing loss 77. Last evaluated: 2018-01-13. Review status: criteria provided, single submitter. Criteria: ICSL Variant Classification Criteria 13 December 2019. Collection method: clinical testing. Allele origin: germline.